The following is an entry in ClinVar:

NM_000245.4(MET):c.3572G>A (p.Gly1191Asp)

Gene: MET (MET proto-oncogene, receptor tyrosine kinase; plus strand). Cytogenetic location: 7q31.2.
Variant type: single nucleotide variant.
Coding change: c.3572G>A on transcript NM_000245.4 (MANE Select); coding-DNA position 3572, G replaced by A.
Protein change: p.Gly1191Asp; replaces glycine 1191 with aspartic acid.
Molecular consequence: missense variant.
Genome position (GRCh38, 1-based): chr7:116,782,037, G>A. VCF-style: chr7-116782037-G-A. GRCh37 (hg19) VCF-style: chr7-116422091-G-A.
Other names: c.3572G>A (NM_000245.2); c.3626G>A, p.Gly1209Asp (NM_001127500.3); c.2282G>A, p.Gly761Asp (NM_001324402.2); short protein forms G1209D, G1191D, G761D.
Identifiers: ClinVar variation 3719593 (VCV003719593.3).
Genomic context (GRCh38, chr7:116,782,037, plus strand): 5'-TTTGACTGCAGAATCCAACTGTAAAAGATCTTATTGGCTTTGGTCTTCAAGTAGCCAAAG[G>A]CATGAAATATCTTGCAAGCAAAAAGTTTGTCCACAGAGACTTGGCTGCAAGAAACTGTAT-3'
Protein context (NP_000236.2, residues 1181-1201): LIGFGLQVAK[Gly1191Asp]MKYLASKKFV

ClinVar aggregate classification (germline): Uncertain significance. Review status: criteria provided, multiple submitters, no conflicts (2 of 4 stars). 2 submissions from 2 submitters: Uncertain significance (2). Last evaluated 2026-07-07.

Conditions:
Hereditary cancer-predisposing syndrome. Also called: Tumor predisposition; Hereditary neoplastic syndrome; Hereditary Cancer Syndrome; Neoplastic Syndromes, Hereditary. Identifiers: Orphanet 140162, MedGen C0027672, MeSH D009386, MONDO:0015356.
Renal cell carcinoma. Identifiers: Orphanet 217071, MedGen C0007134, MeSH D002292, MONDO:0005086, HP:0005584.

Submissions (2):

Ambry Genetics
Classification: Uncertain significance for Hereditary cancer-predisposing syndrome. Last evaluated: 2026-07-07. Review status: criteria provided, single submitter. Criteria: Ambry Variant Classification Scheme 2023. Collection method: clinical testing. Allele origin: germline.
Comment: The p.G1191D variant (also known as c.3572G>A), located in coding exon 17 of the MET gene, results from a G to A substitution at nucleotide position 3572. The glycine at codon 1191 is replaced by aspartic acid, an amino acid with similar properties. This amino acid position is conserved. In addition, this alteration is predicted to be deleterious by in silico analysis. Based on the available evidence, the clinical significance of this variant remains unclear.

Labcorp Genetics (formerly Invitae), Labcorp
Classification: Uncertain significance for Renal cell carcinoma. Last evaluated: 2024-10-28. Review status: criteria provided, single submitter. Criteria: Invitae Variant Classification Sherloc (09022015). Collection method: clinical testing. Allele origin: germline.
Comment: This sequence change replaces glycine, which is neutral and non-polar, with aspartic acid, which is acidic and polar, at codon 1209 of the MET protein (p.Gly1209Asp). This variant is not present in population databases (gnomAD no frequency). This variant has not been reported in the literature in individuals affected with MET-related conditions. Invitae Evidence Modeling of protein sequence and biophysical properties (such as structural, functional, and spatial information, amino acid conservation, physicochemical variation, residue mobility, and thermodynamic stability) indicates that this missense variant is expected to disrupt MET protein function with a positive predictive value of 80%. In summary, the available evidence is currently insufficient to determine the role of this variant in disease. Therefore, it has been classified as a Variant of Uncertain Significance.